The following is an entry in ClinVar:

ClinVar aggregate classification (germline): Likely benign. Review status: criteria provided, multiple submitters, no conflicts (2 of 4 stars). 2 submissions from 2 submitters: Likely benign (2). Last evaluated 2025-04-23.

Conditions:
AGBL5-related disorder. Also called: AGBL5-related condition.

Allele frequency attached by ClinVar (database versions not stated): gnomAD exomes 0.00002; gnomAD 0.00003; TOPMed 0.00003.
gnomAD v4.1: 28 of 1,613,818 alleles (0.0017%); highest among the groups gnomAD compares: Non-Finnish European, 0.0024%; no homozygotes.

Submissions (2):

PreventionGenetics, part of Exact Sciences
Classification: Likely benign for AGBL5-related condition. Last evaluated: 2025-04-23. Review status: criteria provided, single submitter. Criteria: ACMG Guidelines, 2015. Collection method: clinical testing. Allele origin: germline.
Comment: This variant is classified as likely benign based on ACMG/AMP sequence variant interpretation guidelines (Richards et al. 2015 PMID: 25741868, with internal and published modifications).

Labcorp Genetics (formerly Invitae), Labcorp
Classification: Likely benign. Last evaluated: 2025-02-10. Review status: criteria provided, single submitter. Criteria: Invitae Variant Classification Sherloc (09022015). Collection method: clinical testing. Allele origin: germline.

NM_021831.6(AGBL5):c.1905C>T (p.Thr635=)

Gene: AGBL5 (AGBL carboxypeptidase 5; plus strand). Cytogenetic location: 2p23.3.
Variant type: single nucleotide variant.
Coding change: c.1905C>T on transcript NM_021831.6 (MANE Select); coding-DNA position 1905, C replaced by T.
Protein change: p.Thr635=; no amino-acid change (threonine 635 retained).
Molecular consequence: synonymous variant. On other transcripts: non-coding transcript variant (2).
Genome position (GRCh38, 1-based): chr2:27,059,220, C>T. VCF-style: chr2-27059220-C-T. GRCh37 (hg19) VCF-style: chr2-27282088-C-T.
Other names: c.1905C>T, p.Thr635= (NM_001035506.1, NM_001035507.3); c.1905C>T (NM_021831.5).
Identifiers: ClinVar variation 2164834 (VCV002164834.5), dbSNP rs901582337, ClinGen allele CA44465499.
Genomic context (GRCh38, chr2:27,059,220, plus strand): 5'-CCGGGTTAACTGGCATCTGCTTCTTTGCAGTGGGTTGCCTGTCTCCTGCTCCGAAAACAC[C>T]TTGAGTCGGGCACGAAGTTTTAGCACCGGCACAAGTGCCGGTGGTAGCAGCAGCAGCCAA-3'
Protein context (NP_068603.4, residues 625-645): NGLPVSCSEN[Thr635=]LSRARSFSTG